The following is an entry in ClinVar:

ClinVar aggregate classification (germline): Uncertain significance (1 of 4 stars; one submission).

Allele frequency attached by ClinVar (database versions not stated): gnomAD exomes below 0.00001; gnomAD 0.00001.
gnomAD v4.1: 2 of 1,599,998 alleles (0.00013%); highest among the groups gnomAD compares: Admixed American, 0.0035%; no homozygotes.

Submission:

Labcorp Genetics (formerly Invitae), Labcorp
Classification: Uncertain significance. Last evaluated: 2022-05-21. Review status: criteria provided, single submitter. Criteria: Invitae Variant Classification Sherloc (09022015). Collection method: clinical testing. Allele origin: germline.
Comment: This variant is not present in population databases (gnomAD no frequency). In summary, the available evidence is currently insufficient to determine the role of this variant in disease. Therefore, it has been classified as a Variant of Uncertain Significance. Algorithms developed to predict the effect of sequence changes on RNA splicing suggest that this variant may disrupt the consensus splice site. This variant has not been reported in the literature in individuals affected with DNA2-related conditions. This sequence change creates a premature translational stop signal (p.Gln431*) in the DNA2 gene. It is expected to result in an absent or disrupted protein product. However, the current clinical and genetic evidence is not sufficient to establish whether loss-of-function variants in DNA2 cause disease.

NM_001080449.3(DNA2):c.1291C>T (p.Gln431Ter)

Gene: DNA2 (DNA replication helicase/nuclease 2; minus strand). Cytogenetic location: 10q21.3.
Variant type: single nucleotide variant.
Coding change: c.1291C>T on transcript NM_001080449.3 (MANE Select); coding-DNA position 1291, C replaced by T.
Protein change: p.Gln431Ter; replaces glutamine 431 with a stop codon.
Molecular consequence: nonsense. On other transcripts: non-coding transcript variant (1).
Genome position (GRCh38, 1-based): chr10:68,443,041, G>A on the plus strand (C>T on the coding strand, the complement: DNA2 is on the minus strand). VCF-style: chr10-68443041-G-A. GRCh37 (hg19) VCF-style: chr10-70202798-G-A.
Other names: short protein forms Q431*.
Identifiers: ClinVar variation 1970194 (VCV001970194.5), dbSNP rs2051991563, ClinGen allele CA376862067.